The following is an entry in ClinVar:

NM_024700.4(SNIP1):c.278G>A (p.Arg93His)

Gene: SNIP1 (Smad nuclear interacting protein 1; minus strand). Cytogenetic location: 1p34.3.
Variant type: single nucleotide variant.
Coding change: c.278G>A on transcript NM_024700.4 (MANE Select); coding-DNA position 278, G replaced by A.
Protein change: p.Arg93His; replaces arginine 93 with histidine.
Molecular consequence: missense variant.
Genome position (GRCh38, 1-based): chr1:37,552,694, C>T on the plus strand (G>A on the coding strand, the complement: SNIP1 is on the minus strand). VCF-style: chr1-37552694-C-T. GRCh37 (hg19) VCF-style: chr1-38018295-C-T.
Other names: short protein forms R93H.
Identifiers: ClinVar variation 1898234 (VCV001898234.5), dbSNP rs775168859, ClinGen allele CA771384.

ClinVar aggregate classification (germline): Uncertain significance (1 of 4 stars; one submission).

Allele frequency attached by ClinVar (database versions not stated): ExAC 0.00001; gnomAD 0.00001.
gnomAD v4.1: 7 of 1,614,078 alleles (0.00043%); highest among the groups gnomAD compares: Middle Eastern, 0.016%; no homozygotes.

Submission:

Labcorp Genetics (formerly Invitae), Labcorp
Classification: Uncertain significance. Last evaluated: 2022-01-04. Review status: criteria provided, single submitter. Criteria: Invitae Variant Classification Sherloc (09022015). Collection method: clinical testing. Allele origin: germline.
Comment: This variant is present in population databases (rs775168859, gnomAD 0.06%). This sequence change replaces arginine, which is basic and polar, with histidine, which is basic and polar, at codon 93 of the SNIP1 protein (p.Arg93His). This variant has not been reported in the literature in individuals affected with SNIP1-related conditions. In summary, the available evidence is currently insufficient to determine the role of this variant in disease. Therefore, it has been classified as a Variant of Uncertain Significance. Algorithms developed to predict the effect of missense changes on protein structure and function are either unavailable or do not agree on the potential impact of this missense change (SIFT: "Deleterious"; PolyPhen-2: "Probably Damaging"; Align-GVGD: "Class C0").